The following is an entry in ClinVar:

NM_001943.5(DSG2):c.46-14A>G

Gene: DSG2 (desmoglein 2; plus strand). Cytogenetic location: 18q12.1.
Variant type: single nucleotide variant.
Coding change: c.46-14A>G on transcript NM_001943.5 (MANE Select); 14 bases into the intron before coding-DNA position 46, A replaced by G.
Molecular consequence: intron variant.
Genome position (GRCh38, 1-based): chr18:31,518,225, A>G. VCF-style: chr18-31518225-A-G. GRCh37 (hg19) VCF-style: chr18-29098188-A-G.
Identifiers: ClinVar variation 2142724 (VCV002142724.5), dbSNP rs373617074, ClinGen allele CA048925.

ClinVar aggregate classification (germline): Uncertain significance. Review status: criteria provided, multiple submitters, no conflicts (2 of 4 stars). 3 submissions from 3 submitters: Uncertain significance (3). Last evaluated 2025-07-23.

Conditions:
Arrhythmogenic right ventricular dysplasia 10. Also called: ARRHYTHMOGENIC RIGHT VENTRICULAR DYSPLASIA, FAMILIAL, 10; Arrhythmogenic Right Ventricular Dysplasia/Cardiomyopathy10; Arrhythmogenic right ventricular dysplasia/cardiomyopathy, type 10. Identifiers: MedGen C1857777, MONDO:0012434, OMIM 610193.
Cardiomyopathy (CMYO). Also called: Cardiomyopathies. Identifiers: Orphanet 167848, MedGen C0878544, MONDO:0004994, HP:0001638. Inheritance: Various modes of inheritance.
Arrhythmogenic right ventricular cardiomyopathy (ARVD). Also called: Arrhythmogenic right ventricular dysplasia; Cardiomyopathy, ARVC; Arrhythmogenic cardiomyopathy; Arrhythmogenic Right Ventricular Cardiomyopathy (ARVC). Identifiers: Orphanet 247, MedGen C0349788, MeSH D019571, MONDO:0016587. Disease mechanism: loss of function. Inheritance: Various modes of inheritance.

Allele frequency attached by ClinVar (database versions not stated): ExAC 0.00001; gnomAD 0.00003; TOPMed 0.00003; ESP Exome Variant Server 0.00008.
gnomAD v4.1: 11 of 1,608,818 alleles (0.00068%); highest among the groups gnomAD compares: African/African-American, 0.0067%; no homozygotes.

Submissions (3):

Labcorp Genetics (formerly Invitae), Labcorp
Classification: Uncertain significance for Arrhythmogenic right ventricular dysplasia 10. Last evaluated: 2025-07-23. Review status: criteria provided, single submitter. Criteria: Invitae Variant Classification Sherloc (09022015). Collection method: clinical testing. Allele origin: germline.
Comment: This sequence change falls in intron 1 of the DSG2 gene. It does not directly change the encoded amino acid sequence of the DSG2 protein. This variant is present in population databases (rs373617074, gnomAD 0.008%). This variant has not been reported in the literature in individuals affected with DSG2-related conditions. ClinVar contains an entry for this variant (Variation ID: 2142724). Algorithms developed to predict the effect of sequence changes on RNA splicing suggest that this variant may disrupt the consensus splice site. In summary, the available evidence is currently insufficient to determine the role of this variant in disease. Therefore, it has been classified as a Variant of Uncertain Significance.

All of Us Research Program, National Institutes of Health
Classification: Uncertain significance for Arrhythmogenic right ventricular cardiomyopathy. Last evaluated: 2023-11-02. Review status: criteria provided, single submitter. Criteria: ACMG Guidelines, 2015. Collection method: clinical testing. Allele origin: germline. Inheritance: Autosomal dominant inheritance. Observed: 1 variant allele, 1 heterozygote.
Comment: This variant causes an A to G nucleotide substitution at the -14 position of intron 1 of the DSG2 gene. Splice site prediction tools predict that this variant may have a significant impact on RNA splicing. To our knowledge, RNA studies have not been reported for this variant. This variant has not been reported in individuals affected with cardiovascular disorders in the literature. This variant has been identified in 2/280430 chromosomes in the general population by the Genome Aggregation Database (gnomAD). The available evidence is insufficient to determine the role of this variant in disease conclusively. Therefore, this variant is classified as a Variant of Uncertain Significance.

This study involves interpretation of variants in research participants for the purpose of population health screening. Participant phenotype was not available at the time of variant classification. Additional details can be found in publication PMID: 35346344, PMCID: PMC8962531

Color Diagnostics, LLC DBA Color Health
Classification: Uncertain significance for Cardiomyopathy. Last evaluated: 2023-10-19. Review status: criteria provided, single submitter. Criteria: ACMG Guidelines, 2015. Collection method: clinical testing. Allele origin: germline.
Comment: This variant causes an A to G nucleotide substitution at the -14 position of intron 1 of the DSG2 gene. Splice site prediction tools predict that this variant may have a significant impact on RNA splicing. To our knowledge, RNA studies have not been reported for this variant. This variant has not been reported in individuals affected with cardiovascular disorders in the literature. This variant has been identified in 2/280430 chromosomes in the general population by the Genome Aggregation Database (gnomAD). The available evidence is insufficient to determine the role of this variant in disease conclusively. Therefore, this variant is classified as a Variant of Uncertain Significance.